The following is an entry in ClinVar:

ClinVar aggregate classification (germline): Uncertain significance (1 of 4 stars; one submission).

Conditions:
Cardiovascular phenotype. Identifiers: MedGen CN230736.

Submission:

Ambry Genetics
Classification: Uncertain significance for Cardiovascular phenotype. Last evaluated: 2023-05-18. Review status: criteria provided, single submitter. Criteria: Ambry Variant Classification Scheme 2023. Collection method: clinical testing. Allele origin: germline.
Comment: The p.R3660S variant (also known as c.10980A>C), located in coding exon 78 of the RYR2 gene, results from an A to C substitution at nucleotide position 10980. The arginine at codon 3660 is replaced by serine, an amino acid with dissimilar properties. This amino acid position is not well conserved in available vertebrate species. In addition, this alteration is predicted to be tolerated by in silico analysis. Since supporting evidence is limited at this time, the clinical significance of this alteration remains unclear.

NM_001035.3(RYR2):c.10980A>C (p.Arg3660Ser)

Gene: RYR2 (ryanodine receptor 2; plus strand). Cytogenetic location: 1q43.
Variant type: single nucleotide variant.
Coding change: c.10980A>C on transcript NM_001035.3 (MANE Select); coding-DNA position 10980, A replaced by C.
Protein change: p.Arg3660Ser; replaces arginine 3660 with serine.
Molecular consequence: missense variant.
Genome position (GRCh38, 1-based): chr1:237,732,090, A>C. VCF-style: chr1-237732090-A-C. GRCh37 (hg19) VCF-style: chr1-237895390-A-C.
Other names: short protein forms R3660S.
Identifiers: ClinVar variation 2568270 (VCV002568270.2), dbSNP rs753230242, ClinGen allele CA345419002.